The following is an entry in ClinVar:

ClinVar aggregate classification (germline): Uncertain significance (1 of 4 stars; one submission).

Submission:

GeneDx
Classification: Uncertain significance. Last evaluated: 2024-07-01. Review status: criteria provided, single submitter. Criteria: GeneDx Variant Classification Process June 2021. Collection method: clinical testing. Allele origin: germline.
Comment: Not observed at significant frequency in large population cohorts (gnomAD); In silico analysis supports that this missense variant has a deleterious effect on protein structure/function; Has not been previously published as pathogenic or benign to our knowledge

NM_001184880.2(PCDH19):c.1237C>T (p.Arg413Cys)

Gene: PCDH19 (protocadherin 19; minus strand). Cytogenetic location: Xq22.1.
Variant type: single nucleotide variant.
Coding change: c.1237C>T on transcript NM_001184880.2 (MANE Select); coding-DNA position 1237, C replaced by T.
Protein change: p.Arg413Cys; replaces arginine 413 with cysteine.
Molecular consequence: missense variant.
Genome position (GRCh38, 1-based): chrX:100,407,361, G>A on the plus strand (C>T on the coding strand, the complement: PCDH19 is on the minus strand). VCF-style: chrX-100407361-G-A. GRCh37 (hg19) VCF-style: chrX-99662359-G-A.
Other names: c.1237C>T, p.Arg413Cys (NM_001105243.2, NM_020766.3); short protein forms R413C.
Identifiers: ClinVar variation 2580044 (VCV002580044.2), dbSNP rs1928401683, ClinGen allele CA414003522.